The following is an entry in ClinVar:

ClinVar aggregate classification (germline): Uncertain significance (1 of 4 stars; one submission).

Conditions:
Malignant hyperthermia, susceptibility to, 5 (MHS5). Also called: CACNA1S-Related Malignant Hyperthermia Susceptibility. Identifiers: Orphanet 423, MedGen C1866077, MONDO:0011163, OMIM 601887.

gnomAD v4.1: 5 of 1,613,860 alleles (0.00031%); highest among the groups gnomAD compares: Non-Finnish European, 0.00042%; no homozygotes.

Submission:

Color Diagnostics, LLC DBA Color Health
Classification: Uncertain significance for Malignant hyperthermia, susceptibility to, 5. Last evaluated: 2025-06-09. Review status: criteria provided, single submitter. Criteria: ACMG Guidelines, 2015. Collection method: clinical testing. Allele origin: germline.
Comment: This missense variant replaces asparagine with serine at codon 728 of the CACNA1S protein. Computational prediction suggests that this variant may not impact protein structure and function. To our knowledge, functional studies have not been reported for this variant. This variant has not been reported in individuals affected with CACNA1S-related disorders in the literature. This variant has not been identified in the general population by the Genome Aggregation Database (gnomAD). The available evidence is insufficient to determine the role of this variant in disease conclusively. Therefore, this variant is classified as a Variant of Uncertain Significance.

NM_000069.3(CACNA1S):c.2183A>G (p.Asn728Ser)

Gene: CACNA1S (calcium voltage-gated channel subunit alpha1 S; minus strand). Cytogenetic location: 1q32.1.
Variant type: single nucleotide variant.
Coding change: c.2183A>G on transcript NM_000069.3 (MANE Select); coding-DNA position 2183, A replaced by G.
Protein change: p.Asn728Ser; replaces asparagine 728 with serine.
Molecular consequence: missense variant.
Genome position (GRCh38, 1-based): chr1:201,072,799, T>C on the plus strand (A>G on the coding strand, the complement: CACNA1S is on the minus strand). VCF-style: chr1-201072799-T-C. GRCh37 (hg19) VCF-style: chr1-201041927-T-C.
Other names: short protein forms N728S.
Identifiers: ClinVar variation 4757158 (VCV004757158.1).
Genomic context (GRCh38, chr1:201,072,799, plus strand): 5'-TCTCCAGCATCCTCACCTGGGAAGTCGGCTGAGGGGTAGGGATCCTTCACCTCATTGACA[T>C]TAGATTCAAACTCATCGATTTTCAGCTGTAGGAAGGAACACAATGACTATAACAATGAAA-3'
Protein context (NP_000060.2, residues 718-738): AKLKIDEFES[Asn728Ser]VNEVKDPYPS